The following is an entry in ClinVar:

NM_014946.4(SPAST):c.1164G>T (p.Lys388Asn)

Gene: SPAST (spastin; plus strand). Cytogenetic location: 2p22.3.
Variant type: single nucleotide variant.
Coding change: c.1164G>T on transcript NM_014946.4 (MANE Select); coding-DNA position 1164, G replaced by T.
Protein change: p.Lys388Asn; replaces lysine 388 with asparagine.
Molecular consequence: missense variant.
Genome position (GRCh38, 1-based): chr2:32,127,013, G>T. VCF-style: chr2-32127013-G-T. GRCh37 (hg19) VCF-style: chr2-32352082-G-T.
Other names: c.1161G>T, p.Lys387Asn (NM_001363823.2); c.1065G>T, p.Lys355Asn (NM_001363875.2); c.1068G>T, p.Lys356Asn (NM_001377959.1, NM_199436.2); short protein forms K388N, K387N, K355N, K356N.
Identifiers: ClinVar variation 450255 (VCV000450255.9), dbSNP rs1553316838, ClinGen allele CA346501330.

ClinVar aggregate classification (germline): Pathogenic. Review status: criteria provided, multiple submitters, no conflicts (2 of 4 stars). 2 submissions from 2 submitters: Pathogenic (2). Last evaluated 2022-07-12.

Conditions:
Hereditary spastic paraplegia 4. Also called: Spastic Paraplegia 4; Familial spastic paraplegia autosomal dominant 2; Spastic paraplegia 4, autosomal dominant. Identifiers: Orphanet 100985, MedGen C1866855, MONDO:0008438, OMIM 182601.

Submissions (2):

Labcorp Genetics (formerly Invitae), Labcorp
Classification: Pathogenic for Hereditary spastic paraplegia 4. Last evaluated: 2022-07-12. Review status: criteria provided, single submitter. Criteria: Invitae Variant Classification Sherloc (09022015). Collection method: clinical testing. Allele origin: germline.
Comment: For these reasons, this variant has been classified as Pathogenic. This variant disrupts the p.Lys388 amino acid residue in SPAST. Other variant(s) that disrupt this residue have been determined to be pathogenic (PMID: 10699187, 20665701). This suggests that this residue is clinically significant, and that variants that disrupt this residue are likely to be disease-causing. Advanced modeling of protein sequence and biophysical properties (such as structural, functional, and spatial information, amino acid conservation, physicochemical variation, residue mobility, and thermodynamic stability) performed at Invitae indicates that this missense variant is expected to disrupt SPAST protein function. ClinVar contains an entry for this variant (Variation ID: 450255). This missense change has been observed in individual(s) with clinical features of hereditary spastic paraplegia (PMID: 30476002; Invitae). In at least one individual the variant was observed to be de novo. This variant is not present in population databases (gnomAD no frequency). This sequence change replaces lysine, which is basic and polar, with asparagine, which is neutral and polar, at codon 388 of the SPAST protein (p.Lys388Asn).

GeneDx
Classification: Pathogenic. Last evaluated: 2017-07-06. Review status: criteria provided, single submitter. Criteria: GeneDx Variant Classification (06012015). Collection method: clinical testing. Allele origin: germline. Affected: yes.
Comment: The K388N variant in the SPAST gene has not been reported previously as a pathogenic variant nor as a benign variant, to our knowledge. The K388N variant is not observed in large population cohorts (Lek et al., 2016; 1000 Genomes Consortium et al., 2015; Exome Variant Server). The K388N variant is a semi-conservative amino acid substitution, which may impact secondary protein structure as these residues differ in some properties. This substitution occurs at a conserved position within the ATPase domain. Missense variants in nearby residues (G385W, G385E, N386S, N386K, M390V, M390I, L391Q, L391P) have been reported in the Human Gene Mutation Database in association with spastic paraplegia (Stenson et al., 2014), supporting the functional importance of this region of the protein. In silico analysis predicts this variant is probably damaging to the protein structure/function. We interpret K388N as a pathogenic variant.

Literature cited by the submitters: PubMed 10699187 (cited by Labcorp Genetics (formerly Invitae), Labcorp); PubMed 20665701 (cited by Labcorp Genetics (formerly Invitae), Labcorp); PubMed 30476002 (cited by Labcorp Genetics (formerly Invitae), Labcorp).